The following is an entry in ClinVar:

NM_002294.3(LAMP2):c.49G>T (p.Val17Phe)

Gene: LAMP2 (lysosomal associated membrane protein 2; minus strand). Cytogenetic location: Xq24.
Variant type: single nucleotide variant.
Coding change: c.49G>T on transcript NM_002294.3 (MANE Select); coding-DNA position 49, G replaced by T.
Protein change: p.Val17Phe; replaces valine 17 with phenylalanine.
Molecular consequence: missense variant.
Genome position (GRCh38, 1-based): chrX:120,469,121, C>A on the plus strand (G>T on the coding strand, the complement: LAMP2 is on the minus strand). VCF-style: chrX-120469121-C-A. GRCh37 (hg19) VCF-style: chrX-119602976-C-A.
Other names: c.49G>T, p.Val17Phe (NM_001122606.1, NM_013995.2); short protein forms V17F.
Identifiers: ClinVar variation 3895303 (VCV003895303.1), dbSNP rs777718603.

ClinVar aggregate classification (germline): Likely benign (1 of 4 stars; one submission).

Submission:

Molecular Diagnostic Laboratory for Inherited Cardiovascular Disease, Montreal Heart Institute
Classification: Likely benign. Last evaluated: 2025-04-09. Review status: criteria provided, single submitter. Criteria: ACMG Guidelines, 2015. Collection method: clinical testing. Allele origin: germline. Affected: no.
Comment: PM2, BP1, BP4, BP5